The following is an entry in ClinVar:

ClinVar aggregate classification (germline): Uncertain significance. Review status: criteria provided, multiple submitters, no conflicts (2 of 4 stars). 2 submissions from 2 submitters: Uncertain significance (2). Last evaluated 2025-01-13.

Allele frequency attached by ClinVar (database versions not stated): gnomAD exomes below 0.00001 and 0.00001.
gnomAD v4.1: 3 of 1,614,016 alleles (0.00019%); highest among the groups gnomAD compares: Non-Finnish European, 0.00025%; no homozygotes.

Submissions (2):

Ambry Genetics
Classification: Uncertain significance. Last evaluated: 2025-01-13. Review status: criteria provided, single submitter. Criteria: Ambry Variant Classification Scheme 2023. Collection method: clinical testing. Allele origin: germline.
Comment: The p.M587T variant (also known as c.1760T>C), located in coding exon 12 of the RINT1 gene, results from a T to C substitution at nucleotide position 1760. The methionine at codon 587 is replaced by threonine, an amino acid with similar properties. This amino acid position is conserved. In addition, this alteration is predicted to be tolerated by in silico analysis. Based on the available evidence, the clinical significance of this variant remains unclear.

Labcorp Genetics (formerly Invitae), Labcorp
Classification: Uncertain significance. Last evaluated: 2022-03-03. Review status: criteria provided, single submitter. Criteria: Invitae Variant Classification Sherloc (09022015). Collection method: clinical testing. Allele origin: germline.
Comment: Algorithms developed to predict the effect of missense changes on protein structure and function (SIFT, PolyPhen-2, Align-GVGD) all suggest that this variant is likely to be tolerated. In summary, the available evidence is currently insufficient to determine the role of this variant in disease. Therefore, it has been classified as a Variant of Uncertain Significance. ClinVar contains an entry for this variant (Variation ID: 665530). This variant has not been reported in the literature in individuals affected with RINT1-related conditions. This variant is present in population databases (no rsID available, gnomAD 0.0009%). This sequence change replaces methionine, which is neutral and non-polar, with threonine, which is neutral and polar, at codon 587 of the RINT1 protein (p.Met587Thr).

NM_021930.6(RINT1):c.1760T>C (p.Met587Thr)

Gene: RINT1 (RAD50 interactor 1; plus strand). Cytogenetic location: 7q22.3.
Variant type: single nucleotide variant.
Coding change: c.1760T>C on transcript NM_021930.6 (MANE Select); coding-DNA position 1760, T replaced by C.
Protein change: p.Met587Thr; replaces methionine 587 with threonine.
Molecular consequence: missense variant. On other transcripts: non-coding transcript variant (1).
Genome position (GRCh38, 1-based): chr7:105,563,821, T>C. VCF-style: chr7-105563821-T-C. GRCh37 (hg19) VCF-style: chr7-105204268-T-C.
Other names: c.1526T>C, p.Met509Thr (NM_001346599.2); c.737T>C, p.Met246Thr (NM_001346600.2, NM_001346603.2); c.836T>C, p.Met279Thr (NM_001346601.2); short protein forms M246T, M509T, M587T, M279T.
Identifiers: ClinVar variation 665530 (VCV000665530.14), dbSNP rs1471325020, ClinGen allele CA368813784.
Genomic context (GRCh38, chr7:105,563,821, plus strand): 5'-TGGAGGTGTTTGCAGAGAATAATACTCTGAGTAAATTGCAGCTAGGACAGCTAGCCTCTA[T>C]GGAGAGCTCTGTCTTTGATGACATGATTAACCTCTTAGAACGTTTAAAGCATGATATGTT-3'
Protein context (NP_068749.3, residues 577-597): SKLQLGQLAS[Met587Thr]ESSVFDDMIN